The following is an entry in ClinVar:

ClinVar aggregate classification (germline): Uncertain significance (1 of 4 stars; one submission).

Conditions:
Kabuki syndrome. Also called: NIIKAWA-KUROKI SYNDROME; Kabuki make-up syndrome. Identifiers: Orphanet 2322, MedGen C0796004, MONDO:0016512.

Submission:

Labcorp Genetics (formerly Invitae), Labcorp
Classification: Uncertain significance for Kabuki syndrome. Last evaluated: 2023-03-17. Review status: criteria provided, single submitter. Criteria: Invitae Variant Classification Sherloc (09022015). Collection method: clinical testing. Allele origin: germline.
Comment: In summary, the available evidence is currently insufficient to determine the role of this variant in disease. Therefore, it has been classified as a Variant of Uncertain Significance. This variant, c.11382_11390dup, results in the insertion of 3 amino acid(s) of the KMT2D protein (p.Pro3798_Gly3800dup), but otherwise preserves the integrity of the reading frame. This variant is not present in population databases (gnomAD no frequency). This variant has not been reported in the literature in individuals affected with KMT2D-related conditions. This variant has been observed in at least one individual who was not affected with KMT2D-related conditions (Invitae). ClinVar contains an entry for this variant (Variation ID: 2032386).

NM_003482.4(KMT2D):c.11382_11390dup (p.Gly3800_Met3801insProGlnGly)

Gene: KMT2D (lysine methyltransferase 2D; minus strand). Cytogenetic location: 12q13.12.
Variant type: Duplication.
Coding change: c.11382_11390dup on transcript NM_003482.4 (MANE Select); coding-DNA positions 11382 to 11390, 9 bases duplicated (ACCCCAGGG; older notation c.11382_11390dupACCCCAGGG).
Protein change: p.Gly3800_Met3801insProGlnGly.
Molecular consequence: inframe insertion.
Genome position (GRCh38, 1-based): chr12:49,033,315-49,033,323, CCCTGGGGT duplicated on the plus strand (ACCCCAGGG on the coding strand, the reverse complement: KMT2D is on the minus strand). VCF-style (leftmost placement, unchanged base first): chr12-49033314-C-CCCCTGGGGT. GRCh37 (hg19) VCF-style: chr12-49427097-C-CCCCTGGGGT.
Identifiers: ClinVar variation 2032386 (VCV002032386.4), dbSNP rs2498363773, ClinGen allele CA2580085587.
Genomic context (GRCh38, chr12:49,033,314, plus strand): 5'-AGCTCCAGGGTGCTGCTGCTGCAACACAGCCACCTGGGCAGGGCCCAGCATGCCCTGGGG[C>CCCCTGGGGT]CCCTGGGGTGGTTGAGGGGACAGCTGCTGGACCAGGAGGCCTTGGTGGCTGCTGGGAGGC-3'